The following is an entry in ClinVar:

NM_003054.6(SLC18A2):c.353C>T (p.Pro118Leu)

Gene: SLC18A2 (solute carrier family 18 member A2; plus strand). Cytogenetic location: 10q25.3.
Variant type: single nucleotide variant.
Coding change: c.353C>T on transcript NM_003054.6 (MANE Select); coding-DNA position 353, C replaced by T.
Protein change: p.Pro118Leu; replaces proline 118 with leucine.
Molecular consequence: missense variant.
Genome position (GRCh38, 1-based): chr10:117,244,202, C>T. VCF-style: chr10-117244202-C-T. GRCh37 (hg19) VCF-style: chr10-119003713-C-T.
Other names: short protein forms P118L.
Identifiers: ClinVar variation 1942953 (VCV001942953.5), dbSNP rs1844085719, ClinGen allele CA378509975.

ClinVar aggregate classification (germline): Uncertain significance (1 of 4 stars; one submission).

Submission:

Labcorp Genetics (formerly Invitae), Labcorp
Classification: Uncertain significance. Last evaluated: 2022-07-08. Review status: criteria provided, single submitter. Criteria: Invitae Variant Classification Sherloc (09022015). Collection method: clinical testing. Allele origin: germline.
Comment: In summary, the available evidence is currently insufficient to determine the role of this variant in disease. Therefore, it has been classified as a Variant of Uncertain Significance. This sequence change replaces proline, which is neutral and non-polar, with leucine, which is neutral and non-polar, at codon 118 of the SLC18A2 protein (p.Pro118Leu). This variant is not present in population databases (gnomAD no frequency). This variant has not been reported in the literature in individuals affected with SLC18A2-related conditions. Algorithms developed to predict the effect of missense changes on protein structure and function are either unavailable or do not agree on the potential impact of this missense change (SIFT: "Deleterious"; PolyPhen-2: "Benign"; Align-GVGD: "Class C0").